The following is an entry in ClinVar:

ClinVar aggregate classification (germline): Conflicting classifications of pathogenicity. Review status: criteria provided, conflicting classifications (1 of 4 stars). 3 submissions from 3 submitters: Uncertain significance (2); Benign (1). Last evaluated 2025-09-25.

Conditions:
Hereditary cancer-predisposing syndrome. Also called: Hereditary neoplastic syndrome; Tumor predisposition; Hereditary Cancer Syndrome; Neoplastic Syndromes, Hereditary. Identifiers: Orphanet 140162, MedGen C0027672, MeSH D009386, MONDO:0015356.
Fanconi anemia complementation group O. Also called: RAD51C-Related Fanconi Anemia. Identifiers: Orphanet 84, MedGen C3150653, MONDO:0013248, OMIM 613390.
Breast-ovarian cancer, familial, susceptibility to, 3. Also called: RAD51C-Related Breast/Ovarian Cancer. Identifiers: Orphanet 145, MedGen C3150659, MONDO:0013253, OMIM 613399.

gnomAD v4.1: 1 of 1,614,274 alleles (0.000062%); highest among the groups gnomAD compares: Non-Finnish European, 0.000085%; no homozygotes.

Submissions (3):

Ambry Genetics
Classification: Benign for Hereditary cancer-predisposing syndrome. Last evaluated: 2025-09-25. Review status: criteria provided, single submitter. Criteria: Ambry Variant Classification Scheme 2023. Collection method: clinical testing. Allele origin: germline.

Fulgent Genetics
Classification: Uncertain significance for Fanconi anemia complementation group O; Breast-ovarian cancer, familial, susceptibility to, 3. Last evaluated: 2024-02-13. Review status: criteria provided, single submitter. Criteria: ACMG Guidelines, 2015. Collection method: clinical testing. Allele origin: germline.

Labcorp Genetics (formerly Invitae), Labcorp
Classification: Uncertain significance for Fanconi anemia complementation group O. Last evaluated: 2021-02-02. Review status: criteria provided, single submitter. Criteria: Invitae Variant Classification Sherloc (09022015). Collection method: clinical testing. Allele origin: germline.
Comment: This sequence change replaces glutamine with histidine at codon 33 of the RAD51C protein (p.Gln33His). The glutamine residue is moderately conserved and there is a small physicochemical difference between glutamine and histidine. This variant is not present in population databases (ExAC no frequency). This variant has not been reported in the literature in individuals with RAD51C-related conditions. Algorithms developed to predict the effect of missense changes on protein structure and function are either unavailable or do not agree on the potential impact of this missense change (SIFT: "Deleterious"; PolyPhen-2: "Benign"; Align-GVGD: "Class C0"). In summary, the available evidence is currently insufficient to determine the role of this variant in disease. Therefore, it has been classified as a Variant of Uncertain Significance.

NM_058216.3(RAD51C):c.99G>T (p.Gln33His)

Gene: RAD51C (RAD51 paralog C; plus strand). Cytogenetic location: 17q22.
Variant type: single nucleotide variant.
Coding change: c.99G>T on transcript NM_058216.3 (MANE Select); coding-DNA position 99, G replaced by T.
Protein change: p.Gln33His; replaces glutamine 33 with histidine.
Molecular consequence: missense variant. On other transcripts: non-coding transcript variant (1).
Genome position (GRCh38, 1-based): chr17:58,692,742, G>T. VCF-style: chr17-58692742-G-T. GRCh37 (hg19) VCF-style: chr17-56770103-G-T.
Other names: c.99G>T, p.Gln33His (NM_002876.4); short protein forms Q33H.
Identifiers: ClinVar variation 1425447 (VCV001425447.13), dbSNP rs1598449381, ClinGen allele CA400337345.